The following is an entry in ClinVar:

NM_001851.6(COL9A1):c.634A>G (p.Ile212Val)

Gene: COL9A1 (collagen type IX alpha 1 chain; minus strand). Cytogenetic location: 6q13.
Variant type: single nucleotide variant.
Coding change: c.634A>G on transcript NM_001851.6 (MANE Select); coding-DNA position 634, A replaced by G.
Protein change: p.Ile212Val; replaces isoleucine 212 with valine.
Molecular consequence: missense variant.
Genome position (GRCh38, 1-based): chr6:70,294,229, T>C on the plus strand (A>G on the coding strand, the complement: COL9A1 is on the minus strand). VCF-style: chr6-70294229-T-C. GRCh37 (hg19) VCF-style: chr6-71003932-T-C.
Other names: c.634A>G, p.Ile212Val (NM_001377291.1); c.634A>G (NM_001851.4); short protein forms I212V.
Identifiers: ClinVar variation 2121101 (VCV002121101.3), dbSNP rs1207030529, ClinGen allele CA364670504.

ClinVar aggregate classification (germline): Uncertain significance. Review status: criteria provided, single submitter (1 of 4 stars). 2 submissions from 2 submitters: Uncertain significance (1). 1 of the submissions does not count toward it. Last evaluated 2022-06-16.

Conditions:
COL9A1-related disorder. Also called: COL9A1-related condition; COL9A1-related disorders.

gnomAD v4.1: 4 of 1,614,100 alleles (0.00025%); highest among the groups gnomAD compares: Admixed American, 0.0017%; no homozygotes.

Submissions (2):

Labcorp Genetics (formerly Invitae), Labcorp
Classification: Uncertain significance. Last evaluated: 2022-06-16. Review status: criteria provided, single submitter. Criteria: Invitae Variant Classification Sherloc (09022015). Collection method: clinical testing. Allele origin: germline.
Comment: In summary, the available evidence is currently insufficient to determine the role of this variant in disease. Therefore, it has been classified as a Variant of Uncertain Significance. Advanced modeling of protein sequence and biophysical properties (such as structural, functional, and spatial information, amino acid conservation, physicochemical variation, residue mobility, and thermodynamic stability) performed at Invitae indicates that this missense variant is not expected to disrupt COL9A1 protein function. This variant has not been reported in the literature in individuals affected with COL9A1-related conditions. This variant is present in population databases (no rsID available, gnomAD 0.003%). This sequence change replaces isoleucine, which is neutral and non-polar, with valine, which is neutral and non-polar, at codon 212 of the COL9A1 protein (p.Ile212Val).

PreventionGenetics, part of Exact Sciences
Classification: Uncertain significance for COL9A1-related condition. Last evaluated: 2024-06-04. Review status: no assertion criteria provided. Collection method: clinical testing. Allele origin: germline. Not counted in ClinVar's aggregate classification.
Comment: The COL9A1 c.634A>G variant is predicted to result in the amino acid substitution p.Ile212Val. To our knowledge, this variant has not been reported in the literature. This variant is reported in 0.0033% of alleles in individuals of South Asian descent in gnomAD. At this time, the clinical significance of this variant is uncertain due to the absence of conclusive functional and genetic evidence.